The following is an entry in ClinVar:

NM_001042492.3(NF1):c.7457+8G>A

Gene: NF1 (neurofibromin 1; plus strand). Cytogenetic location: 17q11.2.
Variant type: single nucleotide variant.
Coding change: c.7457+8G>A on transcript NM_001042492.3 (MANE Select); 8 bases into the intron after coding-DNA position 7457, G replaced by A.
Molecular consequence: intron variant.
Genome position (GRCh38, 1-based): chr17:31,350,326, G>A. VCF-style: chr17-31350326-G-A. GRCh37 (hg19) VCF-style: chr17-29677344-G-A.
Other names: c.7394+8G>A (NM_000267.4).
Identifiers: ClinVar variation 1085116 (VCV001085116.8), dbSNP rs376147282, ClinGen allele CA2499224229.

ClinVar aggregate classification (germline): Likely benign. Review status: criteria provided, multiple submitters, no conflicts (2 of 4 stars). 2 submissions from 2 submitters: Likely benign (2). Last evaluated 2026-05-13.

Conditions:
Neurofibromatosis, type 1 (NF1). Also called: Peripheral type neurofibromatosis; NEUROFIBROMATOSIS, TYPE I, SOMATIC; VON RECKLINGHAUSEN DISEASE; Neurofibromatosis, type I. Identifiers: Orphanet 636, MedGen C0027831, MONDO:0018975, OMIM 162200. Disease mechanism: loss of function.

Submissions (2):

Myriad Genetics, Inc.
Classification: Likely benign for Neurofibromatosis, type 1. Last evaluated: 2026-05-13. Review status: criteria provided, single submitter. Criteria: Myriad Autosomal Dominant, Autosomal Recessive and X-Linked Classification Criteria (2023). Collection method: clinical testing. Allele origin: unknown.
Comment: This variant is considered likely benign. This variant is intronic and is not expected to impact mRNA splicing.

Labcorp Genetics (formerly Invitae), Labcorp
Classification: Likely benign for Neurofibromatosis, type 1. Last evaluated: 2025-11-09. Review status: criteria provided, single submitter. Criteria: Invitae Variant Classification Sherloc (09022015). Collection method: clinical testing. Allele origin: germline.